The following is an entry in ClinVar:

NM_006074.5(TRIM22):c.902-35A>G

Gene: TRIM22 (tripartite motif containing 22; plus strand). Cytogenetic location: 11p15.4.
Variant type: single nucleotide variant.
Coding change: c.902-35A>G on transcript NM_006074.5 (MANE Select); 35 bases into the intron before coding-DNA position 902, A replaced by G.
Molecular consequence: intron variant.
Genome position (GRCh38, 1-based): chr11:5,709,018, A>G. VCF-style: chr11-5709018-A-G. GRCh37 (hg19) VCF-style: chr11-5730248-A-G.
Other names: c.890-35A>G (NM_001199573.2).
Identifiers: ClinVar variation 2688061 (VCV002688061.2), dbSNP rs999295, ClinGen allele CA5846004.

ClinVar aggregate classification (germline): Benign (1 of 4 stars; one submission).

Allele frequency attached by ClinVar (database versions not stated): ESP Exome Variant Server 0.29524; TOPMed 0.33456; 1000 Genomes Project 0.35443; 1000 Genomes Project 30x 0.35884.

Submission:

Unidad de Genómica Garrahan, Hospital de Pediatría Garrahan
Classification: Benign. Last evaluated: 2024-01-24. Review status: criteria provided, single submitter. Criteria: ACMG Guidelines, 2015. Collection method: clinical testing. Allele origin: germline. Affected: no. Observed: 58 variant alleles.
Comment: This variant is classified as Benign based on local population frequency. This variant was detected in 61% of patients studied by a panel of primary immunodeficiencies. Number of patients: 58. Only high quality variants are reported.